The following is an entry in ClinVar:

NM_006445.4(PRPF8):c.6918C>T (p.His2306=)

Gene: PRPF8 (pre-mRNA processing factor 8; minus strand). Cytogenetic location: 17p13.3.
Variant type: single nucleotide variant.
Coding change: c.6918C>T on transcript NM_006445.4 (MANE Select); coding-DNA position 6918, C replaced by T.
Protein change: p.His2306=; no amino-acid change (histidine 2306 retained).
Molecular consequence: synonymous variant.
Genome position (GRCh38, 1-based): chr17:1,650,892, G>A on the plus strand (C>T on the coding strand, the complement: PRPF8 is on the minus strand). VCF-style: chr17-1650892-G-A. GRCh37 (hg19) VCF-style: chr17-1554186-G-A.
Identifiers: ClinVar variation 746101 (VCV000746101.10), dbSNP rs756489004, ClinGen allele CA8271046.

ClinVar aggregate classification (germline): Likely benign. Review status: criteria provided, multiple submitters, no conflicts (2 of 4 stars). 3 submissions from 3 submitters: Likely benign (3). Last evaluated 2025-09-03.

Conditions:
PRPF8-related disorder. Also called: PRPF8-related condition.

Allele frequency attached by ClinVar (database versions not stated): gnomAD 0.00003; TOPMed 0.00006.
gnomAD v4.1: 40 of 1,614,034 alleles (0.0025%); highest among the groups gnomAD compares: Non-Finnish European, 0.0031%; no homozygotes.

Submissions (3):

PreventionGenetics, part of Exact Sciences
Classification: Likely benign for PRPF8-related condition. Last evaluated: 2025-09-03. Review status: criteria provided, single submitter. Criteria: ACMG Guidelines, 2015. Collection method: clinical testing. Allele origin: germline.
Comment: This variant is classified as likely benign based on ACMG/AMP sequence variant interpretation guidelines (Richards et al. 2015 PMID: 25741868, with internal and published modifications).

Blueprint Genetics
Classification: Likely benign. Last evaluated: 2022-06-20. Review status: criteria provided, single submitter. Criteria: ACMG Guidelines, 2015. Collection method: clinical testing. Allele origin: germline.

Labcorp Genetics (formerly Invitae), Labcorp
Classification: Likely benign. Last evaluated: 2021-12-09. Review status: criteria provided, single submitter. Criteria: Invitae Variant Classification Sherloc (09022015). Collection method: clinical testing. Allele origin: germline.